The following is an entry in ClinVar:

NM_018339.6(RFK):c.293C>T (p.Ala98Val)

Gene: RFK (riboflavin kinase; minus strand). Cytogenetic location: 9q21.13.
Variant type: single nucleotide variant.
Coding change: c.293C>T on transcript NM_018339.6 (MANE Select); coding-DNA position 293, C replaced by T.
Protein change: p.Ala98Val; replaces alanine 98 with valine.
Molecular consequence: missense variant.
Genome position (GRCh38, 1-based): chr9:76,388,598, G>A on the plus strand (C>T on the coding strand, the complement: RFK is on the minus strand). VCF-style: chr9-76388598-G-A. GRCh37 (hg19) VCF-style: chr9-79003514-G-A.
Other names: short protein forms A98V.
Identifiers: ClinVar variation 4863289 (VCV004863289.1).

ClinVar aggregate classification (germline): Uncertain significance (1 of 4 stars; one submission).

gnomAD v4.1: 2 of 1,612,482 alleles (0.00012%); highest among the groups gnomAD compares: Admixed American, 0.0033%; no homozygotes.

Submission:

Ambry Genetics
Classification: Uncertain significance. Last evaluated: 2026-04-16. Review status: criteria provided, single submitter. Criteria: Ambry Variant Classification Scheme 2023. Collection method: clinical testing. Allele origin: germline.
Comment: The c.293C>T (p.A98V) alteration is located in exon 3 (coding exon 3) of the RFK gene. This alteration results from a C to T substitution at nucleotide position 293, causing the alanine (A) at amino acid position 98 to be replaced by a valine (V). Based on data from gnomAD, the T allele has an overall frequency of <0.001% (1/251162) total alleles studied. The highest observed frequency was 0.003% (1/34544) of Latino alleles. Based on insufficient or conflicting evidence, the clinical significance of this alteration remains unclear.